The following is an entry in ClinVar:

ClinVar aggregate classification (germline): Uncertain significance. Review status: criteria provided, multiple submitters, no conflicts (2 of 4 stars). 2 submissions from 2 submitters: Uncertain significance (2). Last evaluated 2023-06-20.

Conditions:
Cardiovascular phenotype. Identifiers: MedGen CN230736.

Allele frequency attached by ClinVar (database versions not stated): gnomAD exomes 0.00001.
gnomAD v4.1: 8 of 1,613,772 alleles (0.0005%); highest among the groups gnomAD compares: Non-Finnish European, 0.00059%; no homozygotes.

Submissions (2):

Ambry Genetics
Classification: Uncertain significance for Cardiovascular phenotype. Last evaluated: 2023-06-20. Review status: criteria provided, single submitter. Criteria: Ambry Variant Classification Scheme 2023. Collection method: clinical testing. Allele origin: germline.
Comment: The p.P1615S variant (also known as c.4843C>T), located in coding exon 8 of the ALMS1 gene, results from a C to T substitution at nucleotide position 4843. The proline at codon 1615 is replaced by serine, an amino acid with similar properties. This amino acid position is not well conserved in available vertebrate species. In addition, this alteration is predicted to be tolerated by in silico analysis. Since supporting evidence is limited at this time, the clinical significance of this alteration remains unclear.

Blueprint Genetics
Classification: Uncertain significance. Last evaluated: 2019-07-26. Review status: criteria provided, single submitter. Criteria: ACMG Guidelines, 2015. Collection method: clinical testing. Allele origin: germline.

NM_001378454.1(ALMS1):c.4840C>T (p.Pro1614Ser)

Gene: ALMS1 (ALMS1 centrosome and basal body associated protein; plus strand). Cytogenetic location: 2p13.1.
Variant type: single nucleotide variant.
Coding change: c.4840C>T on transcript NM_001378454.1 (MANE Select); coding-DNA position 4840, C replaced by T.
Protein change: p.Pro1614Ser; replaces proline 1614 with serine.
Molecular consequence: missense variant.
Genome position (GRCh38, 1-based): chr2:73,451,367, C>T. VCF-style: chr2-73451367-C-T. GRCh37 (hg19) VCF-style: chr2-73678494-C-T.
Other names: c.4843C>T, p.Pro1615Ser (NM_015120.4); short protein forms P1615S, P1614S.
Identifiers: ClinVar variation 2626180 (VCV002626180.3), dbSNP rs1671934641, ClinGen allele CA347279373.
Genomic context (GRCh38, chr2:73,451,367, plus strand): 5'-GCTCTGAAAGTTTCCATTGTTTCTGGACCTACTGAAAAAAAGACTGACATACCAGCAGGA[C>T]CTTTAGGTTCCAGTGCACTTGGAGAGAAGCCCATTACTTTCTACCGGCAGGCTCTGCTAG-3'
Protein context (NP_001365383.1, residues 1604-1624): TEKKTDIPAG[Pro1614Ser]LGSSALGEKP